The following is an entry in ClinVar:

ClinVar aggregate classification (germline): Uncertain significance (1 of 4 stars; one submission).

Conditions:
Developmental and epileptic encephalopathy, 53. Also called: Epileptic encephalopathy, early infantile, 53. Identifiers: MedGen C4479313, MONDO:0033362, OMIM 617389.
Early-onset Parkinson disease 20. Also called: PARKINSON DISEASE 20, AUTOSOMAL RECESSIVE EARLY-ONSET. Identifiers: Orphanet 391411, MedGen C3809824, MONDO:0014233, OMIM 615530.

Submission:

Labcorp Genetics (formerly Invitae), Labcorp
Classification: Uncertain significance for Developmental and epileptic encephalopathy, 53; Early-onset Parkinson disease 20. Last evaluated: 2022-07-19. Review status: criteria provided, single submitter. Criteria: Invitae Variant Classification Sherloc (09022015). Collection method: clinical testing. Allele origin: germline.
Comment: In summary, the available evidence is currently insufficient to determine the role of this variant in disease. Therefore, it has been classified as a Variant of Uncertain Significance. Algorithms developed to predict the effect of missense changes on protein structure and function (SIFT, PolyPhen-2, Align-GVGD) all suggest that this variant is likely to be tolerated. ClinVar contains an entry for this variant (Variation ID: 1449602). This variant has not been reported in the literature in individuals affected with SYNJ1-related conditions. This variant is not present in population databases (gnomAD no frequency). This sequence change replaces glycine, which is neutral and non-polar, with arginine, which is basic and polar, at codon 1229 of the SYNJ1 protein (p.Gly1229Arg).

NM_203446.3(SYNJ1):c.3568G>A (p.Gly1190Arg)

Gene: SYNJ1 (synaptojanin 1; minus strand). Cytogenetic location: 21q22.11.
Variant type: single nucleotide variant.
Coding change: c.3568G>A on transcript NM_203446.3 (MANE Select); coding-DNA position 3568, G replaced by A.
Protein change: p.Gly1190Arg; replaces glycine 1190 with arginine.
Molecular consequence: missense variant.
Genome position (GRCh38, 1-based): chr21:32,641,916, C>T on the plus strand (G>A on the coding strand, the complement: SYNJ1 is on the minus strand). VCF-style: chr21-32641916-C-T. GRCh37 (hg19) VCF-style: chr21-34014226-C-T.
Other names: c.3520G>A, p.Gly1174Arg (NM_001160302.2); c.3427G>A, p.Gly1143Arg (NM_001160306.2); c.3685G>A, p.Gly1229Arg (NM_003895.4); short protein forms G1143R, G1190R, G1174R, G1229R.
Identifiers: ClinVar variation 1449602 (VCV001449602.8), dbSNP rs2145743118, ClinGen allele CA410065406.